The following is an entry in ClinVar:

NM_005633.4(SOS1):c.-32C>T

Genes: SOS1 (SOS Ras/Rac guanine nucleotide exchange factor 1; minus strand), LOC129933535 (ATAC-STARR-seq lymphoblastoid silent region 11384; plus strand). Cytogenetic location: 2p22.1.
Variant type: single nucleotide variant.
Coding change: c.-32C>T on transcript NM_005633.4 (MANE Select); 32 bases upstream of the start codon, C replaced by T.
Molecular consequence: 5 prime UTR variant. On other transcripts: intron variant (1).
Genome position (GRCh38, 1-based): chr2:39,120,454, G>A on the plus strand (C>T on the coding strand, the complement: SOS1 is on the minus strand). VCF-style: chr2-39120454-G-A. GRCh37 (hg19) VCF-style: chr2-39347595-G-A.
Other names: c.-32C>T (NM_001382395.1); c.66+4210C>T (NM_001382394.1).
Identifiers: ClinVar variation 379055 (VCV000379055.1), dbSNP rs1057520479, ClinGen allele CA16604231.

ClinVar aggregate classification (germline): Likely benign (1 of 4 stars; one submission).

Allele frequency attached by ClinVar (database versions not stated): TOPMed 0.00002; gnomAD exomes 0.00001.
gnomAD v4.1: 23 of 1,547,244 alleles (0.0015%); highest among the groups gnomAD compares: Non-Finnish European, 0.002%; no homozygotes.

Submission:

GeneDx
Classification: Likely benign. Last evaluated: 2016-03-28. Review status: criteria provided, single submitter. Criteria: GeneDx Variant Classification (06012015). Collection method: clinical testing. Allele origin: germline. Affected: yes.
Comment: This variant is considered likely benign or benign based on one or more of the following criteria: it is a conservative change, it occurs at a poorly conserved position in the protein, it is predicted to be benign by multiple in silico algorithms, and/or has population frequency not consistent with disease.